The following is an entry in ClinVar:

NM_138576.4(BCL11B):c.958C>T (p.Pro320Ser)

Gene: BCL11B (BCL11 transcription factor B; minus strand). Cytogenetic location: 14q32.2.
Variant type: single nucleotide variant.
Coding change: c.958C>T on transcript NM_138576.4 (MANE Select); coding-DNA position 958, C replaced by T.
Protein change: p.Pro320Ser; replaces proline 320 with serine.
Molecular consequence: missense variant.
Genome position (GRCh38, 1-based): chr14:99,175,878, G>A on the plus strand (C>T on the coding strand, the complement: BCL11B is on the minus strand). VCF-style: chr14-99175878-G-A. GRCh37 (hg19) VCF-style: chr14-99642215-G-A.
Other names: c.955C>T, p.Pro319Ser (NM_001282237.2); c.742C>T, p.Pro248Ser (NM_001282238.2); c.745C>T, p.Pro249Ser (NM_022898.3); short protein forms P248S, P249S, P319S, P320S.
Identifiers: ClinVar variation 3368468 (VCV003368468.1).

ClinVar aggregate classification (germline): Uncertain significance (1 of 4 stars; one submission).

gnomAD v4.1: 2 of 1,469,142 alleles (0.00014%); highest among the groups gnomAD compares: East Asian, 0.0026%; no homozygotes.

Submission:

GeneDx
Classification: Uncertain significance. Last evaluated: 2024-02-08. Review status: criteria provided, single submitter. Criteria: GeneDx Variant Classification Process June 2021. Collection method: clinical testing. Allele origin: germline. Affected: yes.
Comment: In silico analysis supports that this missense variant has a deleterious effect on protein structure/function; Has not been previously published as pathogenic or benign to our knowledge